The following is an entry in ClinVar:

ClinVar aggregate classification (germline): Uncertain significance (1 of 4 stars; one submission).

gnomAD v4.1: 33 of 1,614,090 alleles (0.002%); highest among the groups gnomAD compares: South Asian, 0.034%; 2 homozygotes.

Submission:

Labcorp Genetics (formerly Invitae), Labcorp
Classification: Uncertain significance. Last evaluated: 2024-05-06. Review status: criteria provided, single submitter. Criteria: Invitae Variant Classification Sherloc (09022015). Collection method: clinical testing. Allele origin: germline.
Comment: This sequence change replaces leucine, which is neutral and non-polar, with histidine, which is basic and polar, at codon 681 of the MCM4 protein (p.Leu681His). This variant is present in population databases (rs569828522, gnomAD 0.01%). This variant has not been reported in the literature in individuals affected with MCM4-related conditions. Advanced modeling of protein sequence and biophysical properties (such as structural, functional, and spatial information, amino acid conservation, physicochemical variation, residue mobility, and thermodynamic stability) performed at Invitae indicates that this missense variant is not expected to disrupt MCM4 protein function with a negative predictive value of 80%. In summary, the available evidence is currently insufficient to determine the role of this variant in disease. Therefore, it has been classified as a Variant of Uncertain Significance.

NM_182746.3(MCM4):c.2042T>A (p.Leu681His)

Gene: MCM4 (minichromosome maintenance complex component 4; plus strand). Cytogenetic location: 8q11.21.
Variant type: single nucleotide variant.
Coding change: c.2042T>A on transcript NM_182746.3 (MANE Select); coding-DNA position 2042, T replaced by A.
Protein change: p.Leu681His; replaces leucine 681 with histidine.
Molecular consequence: missense variant.
Genome position (GRCh38, 1-based): chr8:47,972,970, T>A. VCF-style: chr8-47972970-T-A. GRCh37 (hg19) VCF-style: chr8-48885530-T-A.
Other names: c.2042T>A, p.Leu681His (NM_005914.4); short protein forms L681H.
Identifiers: ClinVar variation 3604255 (VCV003604255.2).
Genomic context (GRCh38, chr8:47,972,970, plus strand): 5'-GTCTGGCTCACCACCTGGTCGCACTGTACTACCAGAGCGAGGAGCAGGCAGAGGAGGAGC[T>A]CCTGGACATGGCGGTGCTAAAGGACTACATTGCCTACGCGCACAGCACCATCATGCCGCG-3'
Protein context (NP_877423.1, residues 671-691): YQSEEQAEEE[Leu681His]LDMAVLKDYI